The following is an entry in ClinVar:

NM_000268.4(NF2):c.1564G>C (p.Glu522Gln)

Gene: NF2 (NF2, moesin-ezrin-radixin like (MERLIN) tumor suppressor; plus strand). Cytogenetic location: 22q12.2.
Variant type: single nucleotide variant.
Coding change: c.1564G>C on transcript NM_000268.4 (MANE Select); coding-DNA position 1564, G replaced by C.
Protein change: p.Glu522Gln; replaces glutamic acid 522 with glutamine.
Molecular consequence: missense variant. On other transcripts: non-coding transcript variant (1), intron variant (1).
Genome position (GRCh38, 1-based): chr22:29,678,313, G>C. VCF-style: chr22-29678313-G-C. GRCh37 (hg19) VCF-style: chr22-30074302-G-C.
Other names: c.1315G>C, p.Glu439Gln (NM_181831.3, NM_001407063.1, NM_001407064.1 and 1 more transcripts); c.1564G>C, p.Glu522Gln (NM_181832.3, NM_001407066.1, NM_016418.5 and 2 more transcripts); c.448-16439G>C (NM_181833.3); c.1030G>C, p.Glu344Gln (NM_001407065.1); c.1333G>C, p.Glu445Gln (NM_001407067.1); c.1438G>C, p.Glu480Gln (NM_181828.3, NM_001407055.1); c.1441G>C, p.Glu481Gln (NM_181829.3, NM_001407054.1, NM_001407058.1); c.1450G>C, p.Glu484Gln (NM_001407053.1, NM_001407056.1); and 2 more; short protein forms E344Q, E436Q, E439Q, E445Q, E477Q, E480Q, E481Q, E484Q.
Identifiers: ClinVar variation 4532668 (VCV004532668.1).

ClinVar aggregate classification (germline): Uncertain significance (1 of 4 stars; one submission).

Submission:

GeneDx
Classification: Uncertain significance. Last evaluated: 2025-05-29. Review status: criteria provided, single submitter. Criteria: GeneDx Variant Classification Process June 2021. Collection method: clinical testing. Allele origin: germline. Affected: yes.
Comment: Not observed at significant frequency in large population cohorts (gnomAD); In silico analysis supports that this missense variant has a deleterious effect on protein structure/function; Has not been previously published as pathogenic or benign to our knowledge; This variant is associated with the following publications: (PMID: 11756419)